The following is an entry in ClinVar:

ClinVar aggregate classification (germline): Uncertain significance. Review status: criteria provided, multiple submitters, no conflicts (2 of 4 stars). 2 submissions from 2 submitters: Uncertain significance (2). Last evaluated 2026-03-12.

Conditions:
Amyotrophic lateral sclerosis type 1 (ALS1). Also called: AMYOTROPHIC LATERAL SCLEROSIS 1, FAMILIAL. Identifiers: Orphanet 803, MedGen C1862939, MONDO:0007103, OMIM 105400.
Neuronopathy, distal hereditary motor, type 7B. Also called: HMN VIIB; LOWER MOTOR NEURON DISEASE, DYNACTIN TYPE; NEURONOPATHY, DISTAL HEREDITARY MOTOR, AUTOSOMAL DOMINANT 14; NEURONOPATHY, DISTAL HEREDITARY MOTOR, HARDING TYPE VIIB; NEUROPATHY, DISTAL HEREDITARY MOTOR, HARDING TYPE VIIB; NEUROPATHY, DISTAL HEREDITARY MOTOR, WITH VOCAL CORD PARALYSIS, HARDING TYPE VIIB. Identifiers: Orphanet 139589, MedGen C1843315, MONDO:0011879, OMIM 607641.
Perry syndrome. Also called: PARKINSONISM WITH ALVEOLAR HYPOVENTILATION AND MENTAL DEPRESSION. Identifiers: Orphanet 178509, MedGen C1868594, MONDO:0008201, OMIM 168605.

Allele frequency attached by ClinVar (database versions not stated): gnomAD 0.00001; gnomAD exomes 0.00001.
gnomAD v4.1: 10 of 1,614,042 alleles (0.00062%); highest among the groups gnomAD compares: South Asian, 0.0022%; no homozygotes.

Submissions (2):

GeneDx
Classification: Uncertain significance. Last evaluated: 2026-03-12. Review status: criteria provided, single submitter. Criteria: GeneDx Variant Classification Process June 2021. Collection method: clinical testing. Allele origin: germline.
Comment: Not observed at significant frequency in large population cohorts (gnomAD); In silico analysis supports that this missense variant has a deleterious effect on protein structure/function; Has not been previously published as pathogenic or benign to our knowledge

Labcorp Genetics (formerly Invitae), Labcorp
Classification: Uncertain significance for Amyotrophic lateral sclerosis type 1; Neuronopathy, distal hereditary motor, type 7B; Perry syndrome. Last evaluated: 2023-03-08. Review status: criteria provided, single submitter. Criteria: Invitae Variant Classification Sherloc (09022015). Collection method: clinical testing. Allele origin: germline.
Comment: This sequence change replaces arginine, which is basic and polar, with glutamine, which is neutral and polar, at codon 238 of the DCTN1 protein (p.Arg238Gln). This variant is not present in population databases (gnomAD no frequency). This variant has not been reported in the literature in individuals affected with DCTN1-related conditions. Advanced modeling of protein sequence and biophysical properties (such as structural, functional, and spatial information, amino acid conservation, physicochemical variation, residue mobility, and thermodynamic stability) performed at Invitae indicates that this missense variant is expected to disrupt DCTN1 protein function. In summary, the available evidence is currently insufficient to determine the role of this variant in disease. Therefore, it has been classified as a Variant of Uncertain Significance.

NM_004082.5(DCTN1):c.713G>A (p.Arg238Gln)

Gene: DCTN1 (dynactin subunit 1; minus strand). Cytogenetic location: 2p13.1.
Variant type: single nucleotide variant.
Coding change: c.713G>A on transcript NM_004082.5 (MANE Select); coding-DNA position 713, G replaced by A.
Protein change: p.Arg238Gln; replaces arginine 238 with glutamine.
Molecular consequence: missense variant. On other transcripts: non-coding transcript variant (1).
Genome position (GRCh38, 1-based): chr2:74,371,109, C>T on the plus strand (G>A on the coding strand, the complement: DCTN1 is on the minus strand). VCF-style: chr2-74371109-C-T. GRCh37 (hg19) VCF-style: chr2-74598236-C-T.
Other names: c.653G>A, p.Arg218Gln (NM_001135040.3); c.311G>A, p.Arg104Gln (NM_001135041.3, NM_023019.4); c.602G>A, p.Arg201Gln (NM_001190836.2); c.692G>A, p.Arg231Gln (NM_001190837.2); c.662G>A, p.Arg221Gln (NM_001378991.1); c.644G>A, p.Arg215Gln (NM_001378992.1); short protein forms R221Q, R231Q, R104Q, R201Q, R218Q, R215Q, R238Q.
Identifiers: ClinVar variation 2937515 (VCV002937515.5), dbSNP rs1381488388, ClinGen allele CA347366419.
Genomic context (GRCh38, chr2:74,371,109, plus strand): 5'-ACCTGCTCCAGCTGGATTTTGTGTTTCTCCAGCTCTTTTAGCTTTGCTTTGTCTTCTGCC[C>T]GTTTCAGTCTCAGGGTCTCTAGTTTCTCCTCCAGGTCCCGCACCTGAGCCCTTAGTCCCT-3'
Protein context (NP_004073.2, residues 228-248): EEKLETLRLK[Arg238Gln]AEDKAKLKEL